The following is an entry in ClinVar:

NM_002206.3(ITGA7):c.428G>A (p.Arg143Gln)

Gene: ITGA7 (integrin subunit alpha 7; minus strand). Cytogenetic location: 12q13.2.
Variant type: single nucleotide variant.
Coding change: c.428G>A on transcript NM_002206.3 (MANE Select); coding-DNA position 428, G replaced by A.
Protein change: p.Arg143Gln; replaces arginine 143 with glutamine.
Molecular consequence: missense variant. On other transcripts: 5 prime UTR variant (1).
Genome position (GRCh38, 1-based): chr12:55,701,141, C>T on the plus strand (G>A on the coding strand, the complement: ITGA7 is on the minus strand). VCF-style: chr12-55701141-C-T. GRCh37 (hg19) VCF-style: chr12-56094925-C-T.
Other names: c.428G>A, p.Arg143Gln (NM_001144996.2, NM_001374465.1, NM_001410977.1 and 5 more transcripts); c.137G>A, p.Arg46Gln (NM_001144997.2); c.89G>A, p.Arg30Gln (NM_001367993.1, NM_001414035.1); c.-745G>A (NM_001367994.1); short protein forms R143Q, R30Q, R46Q.
Identifiers: ClinVar variation 1015854 (VCV001015854.9), dbSNP rs537937026, ClinGen allele CA6616312.
Genomic context (GRCh38, chr12:55,701,141, plus strand): 5'-CAGCGACCAATCATATCCCGCGTCTCCAGGATCTGGTCCACTCGCTGCCTTGCCTCATAT[C>T]GGTGTGCACAGGTCTGGGGGAGGAAGGGATGGGGATCATTTCACTCTGTGGGCCAGGGAC-3'
Protein context (NP_002197.2, residues 133-153): PGGKIVTCAH[Arg143Gln]YEARQRVDQI

ClinVar aggregate classification (germline): Uncertain significance. Review status: criteria provided, multiple submitters, no conflicts (2 of 4 stars). 2 submissions from 2 submitters: Uncertain significance (2). Last evaluated 2022-11-22.

Conditions:
Congenital muscular dystrophy due to integrin alpha-7 deficiency. Also called: MYOPATHY, CONGENITAL, DUE TO INTEGRIN ALPHA-7 DEFICIENCY; Congenital muscular dystrophy with integrin alpha-7 deficiency; Muscular dystrophy, congenital, due to ITGA7 deficiency. Identifiers: Orphanet 34520, MedGen C2750786, MONDO:0013177, OMIM 613204.

Allele frequency attached by ClinVar (database versions not stated): gnomAD 0.00001 and 0.00003; gnomAD exomes 0.00001 and 0.00003; TOPMed 0.00001; ExAC 0.00003; 1000 Genomes Project 0.00020; 1000 Genomes Project 30x 0.00031.
gnomAD v4.1: 19 of 1,614,226 alleles (0.0012%); highest among the groups gnomAD compares: Middle Eastern, 0.016%; no homozygotes.

Submissions (2):

Labcorp Genetics (formerly Invitae), Labcorp
Classification: Uncertain significance for Congenital muscular dystrophy due to integrin alpha-7 deficiency. Last evaluated: 2022-11-22. Review status: criteria provided, single submitter. Criteria: Invitae Variant Classification Sherloc (09022015). Collection method: clinical testing. Allele origin: germline.
Comment: In summary, the available evidence is currently insufficient to determine the role of this variant in disease. Therefore, it has been classified as a Variant of Uncertain Significance. Advanced modeling of protein sequence and biophysical properties (such as structural, functional, and spatial information, amino acid conservation, physicochemical variation, residue mobility, and thermodynamic stability) performed at Invitae indicates that this missense variant is expected to disrupt ITGA7 protein function. ClinVar contains an entry for this variant (Variation ID: 1015854). This variant has not been reported in the literature in individuals affected with ITGA7-related conditions. This variant is present in population databases (rs537937026, gnomAD 0.02%). This sequence change replaces arginine, which is basic and polar, with glutamine, which is neutral and polar, at codon 143 of the ITGA7 protein (p.Arg143Gln).

Revvity Omics, Revvity
Classification: Uncertain significance for Congenital muscular dystrophy due to integrin alpha-7 deficiency. Last evaluated: 2021-07-16. Review status: criteria provided, single submitter. Criteria: ACMG Guidelines, 2015. Collection method: clinical testing. Allele origin: germline.